The following is an entry in ClinVar:

NM_001457.4(FLNB):c.755T>C (p.Leu252Pro)

Gene: FLNB (filamin B; plus strand). Cytogenetic location: 3p14.3.
Variant type: single nucleotide variant.
Coding change: c.755T>C on transcript NM_001457.4 (MANE Select); coding-DNA position 755, T replaced by C.
Protein change: p.Leu252Pro; replaces leucine 252 with proline.
Molecular consequence: missense variant.
Genome position (GRCh38, 1-based): chr3:58,081,744, T>C. VCF-style: chr3-58081744-T-C. GRCh37 (hg19) VCF-style: chr3-58067471-T-C.
Other names: c.755T>C, p.Leu252Pro (NM_001164317.2, NM_001164318.2, NM_001164319.2); short protein forms L252P.
Identifiers: ClinVar variation 1718726 (VCV001718726.5), dbSNP rs2471006741, ClinGen allele CA353334236.
Genomic context (GRCh38, chr3:58,081,744, plus strand): 5'-CTTACCTGTCCCAGTTCCCCAAAGCCAAGCTCAAGCCGGGGGCTCCTCTCAAACCCAAAC[T>C]CAACCCGAAGAAAGCCAGGGCCTATGGCAGAGGTGAGTGCTGGTCCTCTGGTGTTGTATT-3'
Protein context (NP_001448.2, residues 242-262): LKPGAPLKPK[Leu252Pro]NPKKARAYGR

ClinVar aggregate classification (germline): Uncertain significance (1 of 4 stars; one submission).

Allele frequency attached by ClinVar (database versions not stated): gnomAD exomes below 0.00001.
gnomAD v4.1: 3 of 1,614,040 alleles (0.00019%); highest among the groups gnomAD compares: Non-Finnish European, 0.00017%; no homozygotes.

Submission:

Labcorp Genetics (formerly Invitae), Labcorp
Classification: Uncertain significance. Last evaluated: 2024-04-18. Review status: criteria provided, single submitter. Criteria: Invitae Variant Classification Sherloc (09022015). Collection method: clinical testing. Allele origin: germline.
Comment: This sequence change replaces leucine, which is neutral and non-polar, with proline, which is neutral and non-polar, at codon 252 of the FLNB protein (p.Leu252Pro). This variant is not present in population databases (gnomAD no frequency). This variant has not been reported in the literature in individuals affected with FLNB-related conditions. ClinVar contains an entry for this variant (Variation ID: 1718726). Advanced modeling of protein sequence and biophysical properties (such as structural, functional, and spatial information, amino acid conservation, physicochemical variation, residue mobility, and thermodynamic stability) performed at Invitae indicates that this missense variant is not expected to disrupt FLNB protein function with a negative predictive value of 95%. In summary, the available evidence is currently insufficient to determine the role of this variant in disease. Therefore, it has been classified as a Variant of Uncertain Significance.